The following is an entry in ClinVar:

ClinVar aggregate classification (germline): Uncertain significance. Review status: criteria provided, multiple submitters, no conflicts (2 of 4 stars). 2 submissions from 2 submitters: Uncertain significance (2). Last evaluated 2025-12-15.

Conditions:
Hereditary cancer-predisposing syndrome. Also called: Neoplastic Syndromes, Hereditary; Tumor predisposition; Hereditary Cancer Syndrome; Hereditary neoplastic syndrome. Identifiers: Orphanet 140162, MedGen C0027672, MeSH D009386, MONDO:0015356.
Hereditary nonpolyposis colorectal neoplasms. Identifiers: MedGen C0009405, MeSH D003123.

Submissions (2):

Ambry Genetics
Classification: Uncertain significance for Hereditary cancer-predisposing syndrome. Last evaluated: 2025-12-15. Review status: criteria provided, single submitter. Criteria: Ambry Variant Classification Scheme 2023. Collection method: clinical testing. Allele origin: germline.
Comment: The p.P319L variant (also known as c.956C>T), located in coding exon 9 of the PMS2 gene, results from a C to T substitution at nucleotide position 956. The proline at codon 319 is replaced by leucine, an amino acid with similar properties. This amino acid position is highly conserved in available vertebrate species. In addition, this alteration is predicted to be deleterious by in silico analysis. Based on the available evidence, the clinical significance of this variant remains unclear.

Labcorp Genetics (formerly Invitae), Labcorp
Classification: Uncertain significance for Hereditary nonpolyposis colorectal neoplasms. Last evaluated: 2024-07-22. Review status: criteria provided, single submitter. Criteria: Invitae Variant Classification Sherloc (09022015). Collection method: clinical testing. Allele origin: germline.
Comment: This sequence change replaces proline, which is neutral and non-polar, with leucine, which is neutral and non-polar, at codon 319 of the PMS2 protein (p.Pro319Leu). This variant is not present in population databases (gnomAD no frequency). This variant has not been reported in the literature in individuals affected with PMS2-related conditions. ClinVar contains an entry for this variant (Variation ID: 1523933). Advanced modeling of protein sequence and biophysical properties (such as structural, functional, and spatial information, amino acid conservation, physicochemical variation, residue mobility, and thermodynamic stability) performed at Invitae indicates that this missense variant is expected to disrupt PMS2 protein function with a positive predictive value of 80%. In summary, the available evidence is currently insufficient to determine the role of this variant in disease. Therefore, it has been classified as a Variant of Uncertain Significance.

NM_000535.7(PMS2):c.956C>T (p.Pro319Leu)

Gene: PMS2 (PMS1 homolog 2, mismatch repair system component; minus strand). Cytogenetic location: 7p22.1.
Variant type: single nucleotide variant.
Coding change: c.956C>T on transcript NM_000535.7 (MANE Select); coding-DNA position 956, C replaced by T.
Protein change: p.Pro319Leu; replaces proline 319 with leucine.
Molecular consequence: missense variant. On other transcripts: non-coding transcript variant (1).
Genome position (GRCh38, 1-based): chr7:5,992,005, G>A on the plus strand (C>T on the coding strand, the complement: PMS2 is on the minus strand). VCF-style: chr7-5992005-G-A. GRCh37 (hg19) VCF-style: chr7-6031636-G-A.
Other names: c.551C>T, p.Pro184Leu (NM_001322003.2, NM_001322004.2, NM_001322005.2 and 2 more transcripts); c.956C>T, p.Pro319Leu (NM_001322006.2, NM_001322014.2); c.638C>T, p.Pro213Leu (NM_001322007.2, NM_001322008.2); c.23C>T, p.Pro8Leu (NM_001322011.2, NM_001322012.2); c.383C>T, p.Pro128Leu (NM_001322013.2); c.647C>T, p.Pro216Leu (NM_001322015.2); short protein forms P213L, P128L, P184L, P216L, P8L, P319L.
Identifiers: ClinVar variation 1523933 (VCV001523933.11), dbSNP rs1562651380, ClinGen allele CA366743118.
Genomic context (GRCh38, chr7:5,992,005, plus strand): 5'-GTTGTACTGAAATGCCAATGGAACTTACCTGAATCAACAGAAATGTTAAGAACAACAAAT[G>A]GATACTGGTGTCGATTATACATGTGGTAGACCTCATTCACGAGTCTGCAGACCTGCACAA-3'
Protein context (NP_000526.2, residues 309-329): VYHMYNRHQY[Pro319Leu]FVVLNISVDS